The following is an entry in ClinVar:

NM_152419.3(HGSNAT):c.634-2A>G

Gene: HGSNAT (heparan-alpha-glucosaminide N-acetyltransferase; plus strand). Cytogenetic location: 8p11.21.
Variant type: single nucleotide variant.
Coding change: c.634-2A>G on transcript NM_152419.3 (MANE Select); the canonical splice acceptor site of the intron before coding-DNA position 634, A replaced by G.
Molecular consequence: splice acceptor variant.
Genome position (GRCh38, 1-based): chr8:43,170,583, A>G. VCF-style: chr8-43170583-A-G. GRCh37 (hg19) VCF-style: chr8-43025726-A-G.
Other names: c.634-2A>G (NM_001363227.2, NM_001363228.2); c.-200-2A>G (NM_001363229.2).
Identifiers: ClinVar variation 2001415 (VCV002001415.4), dbSNP rs2486962491, ClinGen allele CA371116053.

ClinVar aggregate classification (germline): Likely pathogenic (1 of 4 stars; one submission).

Conditions:
Retinitis pigmentosa 73 (RP73). Identifiers: Orphanet 791, MedGen C4225287, MONDO:0014687, OMIM 616544.
Mucopolysaccharidosis, MPS-III-C (MPS3C). Also called: SANFILIPPO SYNDROME C; MPS III C; Mucopolysaccharidosis type IIIC (Sanfilippo C); MUCOPOLYSACCHARIDOSIS, TYPE IIIC; mucopolysaccharidosis type 3C; MPS IIIC (Sanfilippo Syndrome Type C). Identifiers: Orphanet 581, Orphanet 79271, MedGen C0086649, MONDO:0009657, OMIM 252930.

Submission:

Labcorp Genetics (formerly Invitae), Labcorp
Classification: Likely pathogenic for Retinitis pigmentosa 73; Mucopolysaccharidosis, MPS-III-C. Last evaluated: 2023-11-27. Review status: criteria provided, single submitter. Criteria: Invitae Variant Classification Sherloc (09022015). Collection method: clinical testing. Allele origin: germline.
Comment: This sequence change affects an acceptor splice site in intron 6 of the HGSNAT gene. It is expected to disrupt RNA splicing. Variants that disrupt the donor or acceptor splice site typically lead to a loss of protein function (PMID: 16199547), and loss-of-function variants in HGSNAT are known to be pathogenic (PMID: 17033958, 19479962). This variant is not present in population databases (gnomAD no frequency). Disruption of this splice site has been observed in individual(s) with retinitis pigmentosa (Invitae). ClinVar contains an entry for this variant (Variation ID: 2001415). Algorithms developed to predict the effect of sequence changes on RNA splicing suggest that this variant may disrupt the consensus splice site. In summary, the currently available evidence indicates that the variant is pathogenic, but additional data are needed to prove that conclusively. Therefore, this variant has been classified as Likely Pathogenic.

Literature cited by the submitters: PubMed 16199547; PubMed 17033958; PubMed 19479962.